The following is an entry in ClinVar:

NM_000170.3(GLDC):c.2919+2dup

Gene: GLDC (glycine decarboxylase; minus strand). Cytogenetic location: 9p24.1.
Variant type: Duplication.
Coding change: c.2919+2dup on transcript NM_000170.3 (MANE Select); the canonical splice donor site of the intron after coding-DNA position 2919, one base duplicated (T; older notation c.2919+2dupT).
Molecular consequence: splice donor variant.
Genome position (GRCh38, 1-based): chr9:6,534,706, A duplicated on the plus strand (T on the coding strand, the reverse complement: GLDC is on the minus strand). VCF-style (leftmost placement, unchanged base first): chr9-6534705-T-TA. GRCh37 (hg19) VCF-style: chr9-6534705-T-TA.
Identifiers: ClinVar variation 1414587 (VCV001414587.6), dbSNP rs2129645182, ClinGen allele CA2573144479.

ClinVar aggregate classification (germline): Uncertain significance (1 of 4 stars; one submission).

Conditions:
Glycine encephalopathy. Also called: Nonketotic hyperglycinemia; Non-ketotic hyperglycinemia. Identifiers: Orphanet 407, MedGen C0751748, MONDO:0011612, HP:0008288.

Submission:

Labcorp Genetics (formerly Invitae), Labcorp
Classification: Uncertain significance for Glycine encephalopathy. Last evaluated: 2022-09-07. Review status: criteria provided, single submitter. Criteria: Invitae Variant Classification Sherloc (09022015). Collection method: clinical testing. Allele origin: germline.
Comment: This variant is not present in population databases (gnomAD no frequency). This sequence change falls in intron 24 of the GLDC gene. It does not directly change the encoded amino acid sequence of the GLDC protein. It affects a nucleotide within the consensus splice site. This variant has not been reported in the literature in individuals affected with GLDC-related conditions. In summary, the available evidence is currently insufficient to determine the role of this variant in disease. Therefore, it has been classified as a Variant of Uncertain Significance. Variants that disrupt the consensus splice site are a relatively common cause of aberrant splicing (PMID: 17576681, 9536098). Algorithms developed to predict the effect of sequence changes on RNA splicing suggest that this variant may disrupt the consensus splice site. ClinVar contains an entry for this variant (Variation ID: 1414587).

Literature cited by the submitters: PubMed 17576681; PubMed 9536098.